The following is an entry in ClinVar:

ClinVar aggregate classification (germline): Likely benign. Review status: criteria provided, multiple submitters, no conflicts (2 of 4 stars). 2 submissions from 2 submitters: Likely benign (2). Last evaluated 2026-04-01.

Conditions:
Alpha thalassemia-X-linked intellectual disability syndrome (ATRX). Also called: X-linked alpha-thalassemia-mental retardation syndrome; ALPHA-THALASSEMIA/MENTAL RETARDATION SYNDROME, X-LINKED; ATR, NONDELETION TYPE; ATR-X syndrome; Alpha thalassemia mental retardation syndrome, nondeletion type, X-linked; XLMR hypotonic face syndrome. Identifiers: Orphanet 847, MedGen C1845055, MONDO:0010519, OMIM 301040.

Allele frequency attached by ClinVar (database versions not stated): gnomAD 0.00001; gnomAD exomes 0.00002 and 0.00001.
gnomAD v4.1: 9 of 1,209,536 alleles (0.00074%); highest among the groups gnomAD compares: Admixed American, 0.0066%; no homozygotes.

Submissions (2):

CeGaT Center for Human Genetics Tuebingen
Classification: Likely benign. Last evaluated: 2026-04-01. Review status: criteria provided, single submitter. Criteria: CeGaT Center For Human Genetics Tuebingen Variant Classification Criteria Version 2. Collection method: clinical testing. Allele origin: germline. Affected: yes. Observed: 1 variant allele.
Comment: ATRX: BS2

Labcorp Genetics (formerly Invitae), Labcorp
Classification: Likely benign for Alpha thalassemia-X-linked intellectual disability syndrome. Last evaluated: 2021-06-25. Review status: criteria provided, single submitter. Criteria: Invitae Variant Classification Sherloc (09022015). Collection method: clinical testing. Allele origin: germline.

NM_000489.6(ATRX):c.7429C>A (p.Pro2477Thr)

Gene: ATRX (ATRX chromatin remodeler; minus strand). Cytogenetic location: Xq21.1.
Variant type: single nucleotide variant.
Coding change: c.7429C>A on transcript NM_000489.6 (MANE Select); coding-DNA position 7429, C replaced by A.
Protein change: p.Pro2477Thr; replaces proline 2477 with threonine.
Molecular consequence: missense variant.
Genome position (GRCh38, 1-based): chrX:77,508,401, G>T on the plus strand (C>A on the coding strand, the complement: ATRX is on the minus strand). VCF-style: chrX-77508401-G-T. GRCh37 (hg19) VCF-style: chrX-76763879-G-T.
Other names: c.7315C>A, p.Pro2439Thr (NM_138270.5); short protein forms P2439T, P2477T.
Identifiers: ClinVar variation 1623753 (VCV001623753.10), dbSNP rs1557034699, ClinGen allele CA413703690.
Genomic context (GRCh38, chrX:77,508,401, plus strand): 5'-TAGTGCAAAATCACATTGATTTCCCTTGGGAAGGTCCTGGATTTTTGCTTCTCATTGGGG[G>T]TGGTGCACGCTGTAATGGTGGTGGCTGCATACCACCAGCCACTGGCTGATACATTCCTCT-3'
Protein context (NP_000480.3, residues 2467-2487): MQPPPLQRAP[Pro2477Thr]PMRSKNPGPS